The following is an entry in ClinVar:

ClinVar aggregate classification (germline): Uncertain significance (1 of 4 stars; one submission).

Conditions:
Episodic kinesigenic dyskinesia (EKD). Also called: Paroxysmal kinesigenic dyskinesia. Identifiers: Orphanet 98809, MedGen C1868682, MONDO:0044202.

Submission:

Labcorp Genetics (formerly Invitae), Labcorp
Classification: Uncertain significance for Episodic kinesigenic dyskinesia. Last evaluated: 2019-10-22. Review status: criteria provided, single submitter. Criteria: Invitae Variant Classification Sherloc (09022015). Collection method: clinical testing. Allele origin: germline.
Comment: This sequence change replaces valine with glutamic acid at codon 59 of the PRRT2 protein (p.Val59Glu). The valine residue is highly conserved and there is a moderate physicochemical difference between valine and glutamic acid. In summary, the available evidence is currently insufficient to determine the role of this variant in disease. Therefore, it has been classified as a Variant of Uncertain Significance. This variant is not present in population databases (ExAC no frequency). This variant has not been reported in the literature in individuals with PRRT2-related conditions. Algorithms developed to predict the effect of missense changes on protein structure and function are either unavailable or do not agree on the potential impact of this missense change (SIFT: "Tolerated"; PolyPhen-2: "Possibly Damaging"; Align-GVGD: "Class C0").

NM_145239.3(PRRT2):c.176T>A (p.Val59Glu)

Genes: MVP-DT (MVP divergent transcript; minus strand), PRRT2 (proline rich transmembrane protein 2; plus strand). Cytogenetic location: 16p11.2.
Variant type: single nucleotide variant.
Coding change: c.176T>A on transcript NM_145239.3 (MANE Select); coding-DNA position 176, T replaced by A.
Protein change: p.Val59Glu; replaces valine 59 with glutamic acid.
Molecular consequence: missense variant.
Genome position (GRCh38, 1-based): chr16:29,813,230, T>A. VCF-style: chr16-29813230-T-A. GRCh37 (hg19) VCF-style: chr16-29824551-T-A.
Other names: c.176T>A, p.Val59Glu (NM_001256442.2, NM_001256443.2); short protein forms V59E.
Identifiers: ClinVar variation 971394 (VCV000971394.10), dbSNP rs1900066714, ClinGen allele CA395477556.